The following is an entry in ClinVar:

NM_002350.4(LYN):c.509G>A (p.Arg170Lys)

Gene: LYN (LYN proto-oncogene, Src family tyrosine kinase; plus strand). Cytogenetic location: 8q12.1.
Variant type: single nucleotide variant.
Coding change: c.509G>A on transcript NM_002350.4 (MANE Select); coding-DNA position 509, G replaced by A.
Protein change: p.Arg170Lys; replaces arginine 170 with lysine.
Molecular consequence: missense variant.
Genome position (GRCh38, 1-based): chr8:55,951,987, G>A. VCF-style: chr8-55951987-G-A. GRCh37 (hg19) VCF-style: chr8-56864546-G-A.
Other names: c.446G>A, p.Arg149Lys (NM_001111097.3); short protein forms R149K, R170K.
Identifiers: ClinVar variation 4768475 (VCV004768475.1).

ClinVar aggregate classification (germline): Uncertain significance (1 of 4 stars; one submission).

gnomAD v4.1: 2 of 1,610,494 alleles (0.00012%); highest among the groups gnomAD compares: African/African-American, 0.0027%; no homozygotes.

Submission:

Labcorp Genetics (formerly Invitae), Labcorp
Classification: Uncertain significance. Last evaluated: 2026-01-26. Review status: criteria provided, single submitter. Criteria: Invitae Variant Classification Sherloc (09022015). Collection method: clinical testing. Allele origin: germline.
Comment: This sequence change replaces arginine, which is basic and polar, with lysine, which is basic and polar, at codon 170 of the LYN protein (p.Arg170Lys). This variant is not present in population databases (gnomAD no frequency). This variant has not been reported in the literature in individuals affected with LYN-related conditions. An algorithm developed to predict the effect of missense changes on protein structure and function (PolyPhen-2) suggests that this variant is likely to be disruptive. In summary, the available evidence is currently insufficient to determine the role of this variant in disease. Therefore, it has been classified as a Variant of Uncertain Significance.